The following is an entry in ClinVar:

NM_015631.6(TCTN3):c.137C>T (p.Thr46Ile)

Genes: TCTN3 (tectonic family member 3; minus strand), LOC130004408 (ATAC-STARR-seq lymphoblastoid active region 3801; plus strand). Cytogenetic location: 10q24.1.
Variant type: single nucleotide variant.
Coding change: c.137C>T on transcript NM_015631.6 (MANE Select); coding-DNA position 137, C replaced by T.
Protein change: p.Thr46Ile; replaces threonine 46 with isoleucine.
Molecular consequence: missense variant.
Genome position (GRCh38, 1-based): chr10:95,693,763, G>A on the plus strand (C>T on the coding strand, the complement: TCTN3 is on the minus strand). VCF-style: chr10-95693763-G-A. GRCh37 (hg19) VCF-style: chr10-97453520-G-A.
Other names: c.191C>T, p.Thr64Ile (NM_001013840.1); c.137C>T, p.Thr46Ile (NM_001143973.2, NM_001410982.1); short protein forms T64I, T46I.
Identifiers: ClinVar variation 2096730 (VCV002096730.4), dbSNP rs2492795256, ClinGen allele CA377713621.
Genomic context (GRCh38, chr10:95,693,763, plus strand): 5'-ACTGTAGGGAGTCCAGGCACGGCCGGGCGAGTTGCAGTCGCCTCTGAAGGGGACTGGAGG[G>A]TTCCGCCATCCGTCCCTCGCTGCAGCTCCAAAGACGTGGGCACTGCCCCTGATGGGGAGG-3'
Protein context (NP_056446.4, residues 36-56): LELQRGTDGG[Thr46Ile]LQSPSEATAT

ClinVar aggregate classification (germline): Uncertain significance (1 of 4 stars; one submission).

Conditions:
Joubert syndrome 18 (JBTS18). Identifiers: Orphanet 2754, MedGen C3553758, MONDO:0013896, OMIM 614815.
Orofacial-digital syndrome IV (OFD4). Also called: BARAITSER-BURN SYNDROME; OFD SYNDROME WITH TIBIAL DEFECTS; OFD SYNDROME, BARAITSER-BURN TYPE; OFDS IV; ORAL-FACIAL-DIGITAL SYNDROME, TYPE IV; Orofaciodigital syndrome IV. Identifiers: Orphanet 2753, MedGen C0406727, MONDO:0009794, OMIM 258860.

Submission:

Labcorp Genetics (formerly Invitae), Labcorp
Classification: Uncertain significance for Joubert syndrome 18; Orofacial-digital syndrome IV. Last evaluated: 2022-08-23. Review status: criteria provided, single submitter. Criteria: Invitae Variant Classification Sherloc (09022015). Collection method: clinical testing. Allele origin: germline.
Comment: In summary, the available evidence is currently insufficient to determine the role of this variant in disease. Therefore, it has been classified as a Variant of Uncertain Significance. Algorithms developed to predict the effect of missense changes on protein structure and function are either unavailable or do not agree on the potential impact of this missense change (SIFT: "Tolerated"; PolyPhen-2: "Possibly Damaging"; Align-GVGD: "Class C0"). This variant has not been reported in the literature in individuals affected with TCTN3-related conditions. This variant is not present in population databases (gnomAD no frequency). This sequence change replaces threonine, which is neutral and polar, with isoleucine, which is neutral and non-polar, at codon 46 of the TCTN3 protein (p.Thr46Ile).